The following is an entry in ClinVar:

NM_022716.4(PRRX1):c.640C>T (p.Pro214Ser)

Gene: PRRX1 (paired related homeobox 1; plus strand). Cytogenetic location: 1q24.2.
Variant type: single nucleotide variant.
Coding change: c.640C>T on transcript NM_022716.4 (MANE Select); coding-DNA position 640, C replaced by T.
Protein change: p.Pro214Ser; replaces proline 214 with serine.
Molecular consequence: missense variant. On other transcripts: 3 prime UTR variant (1).
Genome position (GRCh38, 1-based): chr1:170,736,088, C>T. VCF-style: chr1-170736088-C-T. GRCh37 (hg19) VCF-style: chr1-170705229-C-T.
Other names: c.*58C>T (NM_006902.5); c.640C>T (NM_022716.3); short protein forms P214S.
Identifiers: ClinVar variation 4689323 (VCV004689323.2).

ClinVar aggregate classification (germline): Likely benign. Review status: criteria provided, multiple submitters, no conflicts (2 of 4 stars). 2 submissions from 2 submitters: Likely benign (2). Last evaluated 2026-01-16.

Conditions:
PRRX1-related disorder. Also called: PRRX1-related condition.

gnomAD v4.1: 709 of 1,614,098 alleles (0.044%); highest among the groups gnomAD compares: African/African-American, 0.88%; no homozygotes.

Submissions (2):

Women's Health and Genetics/Laboratory Corporation of America, LabCorp
Classification: Likely benign. Last evaluated: 2026-01-16. Review status: criteria provided, single submitter. Criteria: LabCorp Variant Classification Summary - May 2015. Collection method: clinical testing. Allele origin: germline.
Comment: Variant summary: PRRX1 c.640C>T (p.Pro214Ser) results in a non-conservative amino acid change in the encoded protein sequence. Algorithms developed to predict the effect of missense changes on protein structure and function are either unavailable or do not agree on the potential impact of this missense change. The variant allele was found at a frequency of 0.00053 in 251404 control chromosomes, predominantly at a frequency of 0.0078 within the African or African-American subpopulation in the gnomAD database. The observed variant frequency within African or African-American control individuals in the gnomAD database exceeds the estimated maximal expected allele frequency for disease-causing variants in PRRX1. To our knowledge, no occurrence of c.640C>T in individuals affected with PRRX1-related conditions and no experimental evidence demonstrating its impact on protein function have been reported. No submitters have cited clinical-significance assessments for this variant to ClinVar. Based on the evidence outlined above, the variant was classified as likely benign.

PreventionGenetics, part of Exact Sciences
Classification: Likely benign for PRRX1-related condition. Last evaluated: 2025-01-24. Review status: criteria provided, single submitter. Criteria: ACMG Guidelines, 2015. Collection method: clinical testing. Allele origin: germline.
Comment: This variant is classified as likely benign based on ACMG/AMP sequence variant interpretation guidelines (Richards et al. 2015 PMID: 25741868, with internal and published modifications).